The following is an entry in ClinVar:

NM_000085.5(CLCNKB):c.226C>T (p.Arg76Ter)

Genes: CLCNKB (chloride voltage-gated channel Kb; plus strand), LOC106501713 (CLCNKB recombination region; plus strand). Cytogenetic location: 1p36.13.
Variant type: single nucleotide variant.
Coding change: c.226C>T on transcript NM_000085.5 (MANE Select); coding-DNA position 226, C replaced by T.
Protein change: p.Arg76Ter; replaces arginine 76 with a stop codon.
Molecular consequence: nonsense.
Genome position (GRCh38, 1-based): chr1:16,045,683, C>T. VCF-style: chr1-16045683-C-T. GRCh37 (hg19) VCF-style: chr1-16372178-C-T.
Other names: short protein forms R76*.
Identifiers: ClinVar variation 975076 (VCV000975076.12), dbSNP rs370985865, ClinGen allele CA623214.
Genomic context (GRCh38, chr1:16,045,683, plus strand): 5'-CTCGGGGTGCTCATGGCCCTGGTCAGCTGTGCCATGGACTTGGCTGTTGAGAGTGTGGTC[C>T]GAGGTAACCCCTCCATGGCAGGTGCTGCTCTGGGCCAAGGGATTCTGAGCTCTCTCTGGG-3'

ClinVar aggregate classification (germline): Pathogenic. Review status: criteria provided, multiple submitters, no conflicts (2 of 4 stars). 5 submissions from 5 submitters: Pathogenic (4). 1 of the submissions does not count toward it. Last evaluated 2023-12-26.

Conditions:
Bartter disease type 3. Also called: Bartter syndrome type 3. Identifiers: Orphanet 112, Orphanet 93605, MedGen C1846343, MONDO:0011822, OMIM 607364.
Bartter disease type 4B. Also called: BARTTER SYNDROME, TYPE 4B; Bartter syndrome, type 4b, digenic; BARTTER SYNDROME, TYPE 4B, NEONATAL, WITH SENSORINEURAL DEAFNESS. Identifiers: Orphanet 112, MedGen C4310805, MONDO:0000909, OMIM 613090.
Epilepsy, familial focal, with variable foci 1 (FFEVF1). Also called: DEPDC5-Related Epilepsy. Identifiers: MedGen C4551983, MONDO:0024556, OMIM 604364.

Allele frequency attached by ClinVar (database versions not stated): ExAC 0.00001; gnomAD exomes 0.00001; TOPMed 0.00002.
gnomAD v4.1: 35 of 1,612,302 alleles (0.0022%); highest among the groups gnomAD compares: Non-Finnish European, 0.0027%; no homozygotes.

Submissions (5):

Fulgent Genetics
Classification: Pathogenic for Bartter disease type 3; Bartter disease type 4B. Last evaluated: 2023-12-26. Review status: criteria provided, single submitter. Criteria: ACMG Guidelines, 2015. Collection method: clinical testing. Allele origin: germline.

Labcorp Genetics (formerly Invitae), Labcorp
Classification: Pathogenic. Last evaluated: 2023-08-10. Review status: criteria provided, single submitter. Criteria: Invitae Variant Classification Sherloc (09022015). Collection method: clinical testing. Allele origin: germline.
Comment: For these reasons, this variant has been classified as Pathogenic. ClinVar contains an entry for this variant (Variation ID: 975076). This premature translational stop signal has been observed in individual(s) with CLCNKB-related conditions (PMID: 20810575, 28381550, 30773290). This variant is present in population databases (rs370985865, gnomAD 0.004%). This sequence change creates a premature translational stop signal (p.Arg76*) in the CLCNKB gene. It is expected to result in an absent or disrupted protein product. Loss-of-function variants in CLCNKB are known to be pathogenic (PMID: 24830959, 26920127, 28381550, 29254190).

GeneDx
Classification: Pathogenic. Last evaluated: 2021-12-08. Review status: criteria provided, single submitter. Criteria: GeneDx Variant Classification Process June 2021. Collection method: clinical testing. Allele origin: germline. Affected: yes.
Comment: Reported in individuals with Bartter syndrome or Gitelman syndrome who harbored a second pathogenic CLCNKB variant, but it is not known whether the variants occurred on the same (in cis) or on different (in trans) chromosomes in all cases (Nozu et al., 2010; Hureaux et al., 2019); Nonsense variant predicted to result in protein truncation or nonsense mediated decay in a gene for which loss-of-function is a known mechanism of disease; This variant is associated with the following publications: (PMID: 25525159, 32939031, 31672324, 28381550, 30773290, 20810575)

Victorian Clinical Genetics Services, Murdoch Childrens Research Institute
Classification: Pathogenic for Epilepsy, familial focal, with variable foci 1. Last evaluated: 2018-11-27. Review status: criteria provided, single submitter. Criteria: ACMG Guidelines, 2015. Collection method: clinical testing. Allele origin: unknown. Affected: yes.
Comment: A homozygous nonsense variant, NM_000085.4(CLCNKB):c.226C>T, has been identified in exon 3 of 20 of the CLCNKB gene (NB: This variant is non-coding in alternative transcripts). The variant is predicted to result in a premature stop codon at position 76 of the protein (NP_000076.2(CLCNKB):p.(Arg76*)). This variant is predicted to result in loss of protein function through nonsense-mediated decay (NMD), which is a reported mechanism of pathogenicity for this gene. The variant is present in the gnomAD database at a frequency of 0.001% (3 heterozygotes, 0 homozygotes). The variant has been previously described as pathogenic in a patient with salt-losing tubulopathies (Nozu, K. et al., 2010). Several truncating variants predicted to result in NMD have been reported pathogenic (ClinVar, HGMD, Decipher). Based on the information available at the time of curation, this variant has been classified as PATHOGENIC.

Yale Center for Mendelian Genomics, Yale University
Classification: Pathogenic for Bartter disease type 3. Last evaluated: 2019-02-14. Review status: no assertion criteria provided. Collection method: literature only. Allele origin: germline. Affected: yes. Observed: 2 homozygotes. Study: Yale Center for Mendelian Genomics. Not counted in ClinVar's aggregate classification.

Literature cited by the submitters: PubMed 20810575 (cited by Labcorp Genetics (formerly Invitae), Labcorp); PubMed 28381550 (cited by Labcorp Genetics (formerly Invitae), Labcorp); PubMed 30773290 (cited by Labcorp Genetics (formerly Invitae), Labcorp and Yale Center for Mendelian Genomics, Yale University); PubMed 24830959 (cited by Labcorp Genetics (formerly Invitae), Labcorp); PubMed 26920127 (cited by Labcorp Genetics (formerly Invitae), Labcorp); PubMed 29254190 (cited by Labcorp Genetics (formerly Invitae), Labcorp).